The following is an entry in ClinVar:

NM_000263.4(NAGLU):c.626C>T (p.Thr209Ile)

Gene: NAGLU (N-acetyl-alpha-glucosaminidase; plus strand). Cytogenetic location: 17q21.2.
Variant type: single nucleotide variant.
Coding change: c.626C>T on transcript NM_000263.4 (MANE Select); coding-DNA position 626, C replaced by T.
Protein change: p.Thr209Ile; replaces threonine 209 with isoleucine.
Molecular consequence: missense variant.
Genome position (GRCh38, 1-based): chr17:42,538,433, C>T. VCF-style: chr17-42538433-C-T. GRCh37 (hg19) VCF-style: chr17-40690451-C-T.
Other names: short protein forms T209I.
Identifiers: ClinVar variation 1477753 (VCV001477753.6), dbSNP rs2143086833, ClinGen allele CA399598600.
Genomic context (GRCh38, chr17:42,538,433, plus strand): 5'-TCAATGAGTTCTTTACTGGTCCTGCCTTCCTGGCCTGGGGGCGAATGGGCAACCTGCACA[C>T]CTGGGATGGCCCCCTGCCCCCCTCCTGGCACATCAAGCAGCTTTACCTGCAGGTAAAAGG-3'
Protein context (NP_000254.2, residues 199-219): LAWGRMGNLH[Thr209Ile]WDGPLPPSWH

ClinVar aggregate classification (germline): Uncertain significance (1 of 4 stars; one submission).

Conditions:
Mucopolysaccharidosis, MPS-III-B (MPS3B). Also called: N-ACETYL-ALPHA-D-GLUCOSAMINIDASE DEFICIENCY; NAGLU DEFICIENCY; SANFILIPPO SYNDROME B; MPS III B; MPS IIIB (Sanfilippo Syndrome Type B); MUCOPOLYSACCHARIDOSIS, TYPE IIIB. Identifiers: Orphanet 79270, MedGen C0086648, MONDO:0009656, OMIM 252920.
Charcot-Marie-Tooth disease axonal type 2V. Also called: CHARCOT-MARIE-TOOTH NEUROPATHY, TYPE 2V; CHARCOT-MARIE-TOOTH DISEASE, AXONAL, AUTOSOMAL DOMINANT, TYPE 2V. Identifiers: Orphanet 447964, MedGen C5569050, MONDO:0014665, OMIM 616491.

Submission:

Labcorp Genetics (formerly Invitae), Labcorp
Classification: Uncertain significance for Charcot-Marie-Tooth disease axonal type 2V; Mucopolysaccharidosis, MPS-III-B. Last evaluated: 2021-12-13. Review status: criteria provided, single submitter. Criteria: Invitae Variant Classification Sherloc (09022015). Collection method: clinical testing. Allele origin: germline.
Comment: In summary, the available evidence is currently insufficient to determine the role of this variant in disease. Therefore, it has been classified as a Variant of Uncertain Significance. Advanced modeling of protein sequence and biophysical properties (such as structural, functional, and spatial information, amino acid conservation, physicochemical variation, residue mobility, and thermodynamic stability) performed at Invitae indicates that this missense variant is not expected to disrupt NAGLU protein function. This variant has not been reported in the literature in individuals affected with NAGLU-related conditions. This variant is not present in population databases (gnomAD no frequency). This sequence change replaces threonine, which is neutral and polar, with isoleucine, which is neutral and non-polar, at codon 209 of the NAGLU protein (p.Thr209Ile).